The following is an entry in ClinVar:

NM_001374353.1(GLI2):c.1468-200C>T

Gene: GLI2 (GLI family zinc finger 2; plus strand). Cytogenetic location: 2q14.2.
Variant type: single nucleotide variant.
Coding change: c.1468-200C>T on transcript NM_001374353.1 (MANE Select); 200 bases into the intron before coding-DNA position 1468, C replaced by T.
Molecular consequence: intron variant.
Genome position (GRCh38, 1-based): chr2:120,982,516, C>T. VCF-style: chr2-120982516-C-T. GRCh37 (hg19) VCF-style: chr2-121740092-C-T.
Other names: c.1519-200C>T (NM_001371271.1, NM_005270.5); c.1093-200C>T (NM_001374354.1).
Identifiers: ClinVar variation 1707206 (VCV001707206.2), dbSNP rs183796153, ClinGen allele CA54375980.

ClinVar aggregate classification (germline): Likely benign (1 of 4 stars; one submission).

Allele frequency attached by ClinVar (database versions not stated): 1000 Genomes Project 0.00100; 1000 Genomes Project 30x 0.00125; TOPMed 0.00271; gnomAD 0.00391.
gnomAD v4.1: 587 of 152,260 alleles (0.39%); highest among the groups gnomAD compares: Non-Finnish European, 0.54%; 1 homozygote.

Submission:

GeneDx
Classification: Likely benign. Last evaluated: 2021-05-23. Review status: criteria provided, single submitter. Criteria: GeneDx Variant Classification Process June 2021. Collection method: clinical testing. Allele origin: germline. Affected: yes.
Comment: See Variant Classification Assertion Criteria.